The following is an entry in ClinVar:

NM_000090.4(COL3A1):c.1347+1G>A

Gene: COL3A1 (collagen type III alpha 1 chain; plus strand). Cytogenetic location: 2q32.2.
Variant type: single nucleotide variant.
Coding change: c.1347+1G>A on transcript NM_000090.4 (MANE Select); the canonical splice donor site of the intron after coding-DNA position 1347, G replaced by A.
Molecular consequence: splice donor variant.
Genome position (GRCh38, 1-based): chr2:188,994,595, G>A. VCF-style: chr2-188994595-G-A. GRCh37 (hg19) VCF-style: chr2-189859321-G-A.
Other names: IVS20DS, G-A, +1.
Identifiers: ClinVar variation 17202 (VCV000017202.27), dbSNP rs397509370, ClinGen allele CA004237.

ClinVar aggregate classification (germline): Pathogenic. Review status: criteria provided, multiple submitters, no conflicts (2 of 4 stars). 10 submissions from 10 submitters: Pathogenic (7). 3 of the submissions do not count toward it. Last evaluated 2026-01-01.

Conditions:
Thoracic aortic aneurysm or dissection.
COL3A1-related disorder. Also called: COL3A1-related condition.
Familial thoracic aortic aneurysm and aortic dissection (TAAD). Also called: Thoracic aortic aneurysms and dissections. Identifiers: Orphanet 91387, MedGen C4707243, MONDO:0019625.
Ehlers-Danlos syndrome, type 4 (EDSVASC). Also called: Ehlers-Danlos syndrome vascular type; Ehlers Danlos syndrome, ecchymotic type; Ehlers Danlos syndrome, arterial type; Ehlers Danlos syndrome, Sack-Barabas type; Ehlers-Danlos Syndrome Type IV. Identifiers: Orphanet 286, MedGen C0268338, MONDO:0017314, OMIM 130050.

Submissions (11):

CeGaT Center for Human Genetics Tuebingen
Classification: Pathogenic. Last evaluated: 2026-01-01. Review status: criteria provided, single submitter. Criteria: CeGaT Center For Human Genetics Tuebingen Variant Classification Criteria Version 2. Collection method: clinical testing. Allele origin: germline. Affected: yes. Observed: 1 variant allele.
Comment: COL3A1: PS4, PVS1:Strong, PM2

Labcorp Genetics (formerly Invitae), Labcorp
Classification: Pathogenic for Ehlers-Danlos syndrome, type 4. Last evaluated: 2025-06-09. Review status: criteria provided, single submitter. Criteria: Invitae Variant Classification Sherloc (09022015). Collection method: clinical testing. Allele origin: germline.
Comment: This sequence change affects a donor splice site in intron 19 of the COL3A1 gene. It is expected to disrupt RNA splicing. Variants that disrupt the donor or acceptor splice site typically lead to a loss of protein function (PMID: 16199547), and loss-of-function variants in COL3A1 are known to be pathogenic (PMID: 24922459). This variant is not present in population databases (gnomAD no frequency). Disruption of this splice site has been observed in individuals with Ehlers–Danlos syndrome (PMID: 2349939, 24399159, 24922459, 27306637, 30474650). This variant is also known as G+1 IVS20 and c.1347+1G>A/IVS 19. ClinVar contains an entry for this variant (Variation ID: 17202). Algorithms developed to predict the effect of sequence changes on RNA splicing suggest that this variant may disrupt the consensus splice site. For these reasons, this variant has been classified as Pathogenic.

NHS Central & South Genomic Laboratory Hub
Classification: Pathogenic for Thoracic aortic aneurysm or dissection. Last evaluated: 2025-06-05. Review status: criteria provided, single submitter. Criteria: ACMG Guidelines, 2015. Collection method: clinical testing. Allele origin: germline. Affected: yes.

Mayo Clinic Laboratories, Mayo Clinic
Classification: Pathogenic. Last evaluated: 2023-12-07. Review status: criteria provided, single submitter. Criteria: ACMG Guidelines, 2015. Collection method: clinical testing. Allele origin: germline. Observed: 1 variant allele.
Comment: PP1, PP3, PP4, PM2, PS3, PS4_moderate, PVS1_strong

Ambry Genetics
Classification: Pathogenic for Familial thoracic aortic aneurysm and aortic dissection. Last evaluated: 2023-01-23. Review status: criteria provided, single submitter. Criteria: Ambry Variant Classification Scheme 2023. Collection method: clinical testing. Allele origin: germline.
Comment: The c.1347+1G>A intronic pathogenic mutation results from a G to A substitution one nucleotide after coding exon 19 of the COL3A1 gene. This alteration has been reported in association with Ehlers-Danlos syndrome type IV (vascular type) and related features and has also been shown to result in abnormal splicing (Kontusaari S et al. ;Am J Hum Genet. 1990;47(1):112-20; Watanabe A et al. Circ J. 2007;71(2):261-5; Drera B et al. J Dermatol Sci. 2011;64(3):237-40). This variant is considered to be rare based on population cohorts in the Genome Aggregation Database (gnomAD). In silico splice site analysis predicts that this alteration will weaken the native splice donor site. In addition to the clinical data presented in the literature, alterations that disrupt the canonical splice site are expected to cause aberrant splicing, resulting in an abnormal protein or a transcript that is subject to nonsense-mediated mRNA decay. As such, this alteration is classified as a disease-causing mutation.

GeneDx
Classification: Pathogenic. Last evaluated: 2021-10-26. Review status: criteria provided, single submitter. Criteria: GeneDx Variant Classification Process June 2021. Collection method: clinical testing. Allele origin: germline. Affected: yes.
Comment: Not observed at significant frequency in large population cohorts (Lek et al., 2016); Reported as pathogenic by other clinical laboratories in ClinVar (ClinVar Variant ID# 17202; Landrum et al., 2016); Canonical splice site variant expected to result in aberrant splicing; Multiple functional studies demonstrate that c.1347+1 G>A results in a complex splice outcome that includes skipping of exon 19, retention of intron 19, and use of a cryptic splice donor site that leads to insertion of the first 24 nucleotides of intron 19 (Kontusaari et al., 1990; Anderson et al., 1997); Aberrant splicing is a common mechanism of disease in this gene (Stenson et al., 2014); This variant is associated with the following publications: (PMID: 27306637, 22019127, 2349939, 24922459, 17251678, 21219851, 9143932, 30474650, 27462043, 30919682, 31600821)

Color Diagnostics, LLC DBA Color Health
Classification: Pathogenic for Familial thoracic aortic aneurysm and aortic dissection. Last evaluated: 2021-01-06. Review status: criteria provided, single submitter. Criteria: ACMG Guidelines, 2015. Collection method: clinical testing. Allele origin: germline.
Comment: This variant causes a G to A nucleotide substitution at the +1 position of intron 19 of the COL3A1 gene. An RNA study has shown that this variant causes complex aberrant splicing due to in-frame skipping of an exon and a use of cryptic splice donor site that leads to in-frame insertion of 24 nucleotides (PMID: 2349939). This variant is a recurrent mutation in individuals affected with vascular Ehlersâ€šÃ„Ã¬Danlos syndrome (PMID: 24399159, 24922459, 27306637, 27462043, 30919682, 31600821). This variant has also been reported in an individual affected with aortic aneurysms that ruptured and resulted in death (PMID: 2349939). A study using fibroblasts from this individual has shown a decrease in pepsin-resistant type Ill procollagen in the cells (PMID: 2349939). This variant has not been identified in the general population by the Genome Aggregation Database (gnomAD). Loss of COL3A1 function is a known mechanism of disease. Based on the available evidence, this variant is classified as Pathogenic.

PreventionGenetics, part of Exact Sciences
Classification: Pathogenic for COL3A1-related condition. Last evaluated: 2023-11-07. Review status: no assertion criteria provided. Collection method: clinical testing. Allele origin: germline. Not counted in ClinVar's aggregate classification.
Comment: The COL3A1 c.1347+1G>A variant is predicted to disrupt the GT donor site and interfere with normal splicing. This variant has been reported in the heterozygous state in multiple individuals with vascular Ehlers-Danlos syndrome (see for example, Cazzato et al. 2016. PubMed ID: 27306637; Li et al. 2022. PubMed ID: 36119745; reported as G+1 IVS20 in Kontusaari et al. 1990. PubMed ID: 2349939). This variant has not been reported in a large population database, indicating this variant is rare. Variants that disrupt the consensus splice donor site in COL3A1 are expected to be pathogenic. This variant is interpreted as pathogenic.

OMIM
Classification: Pathogenic for EHLERS-DANLOS SYNDROME, VASCULAR TYPE, VARIANT. Last evaluated: 1990-07-01. Review status: no assertion criteria provided. Collection method: literature only. Allele origin: germline. Not counted in ClinVar's aggregate classification.

Collagen Diagnostic Laboratory, University of Washington
Classification: Pathogenic for Ehlers-Danlos syndrome, type 4. Review status: no assertion criteria provided. Collection method: clinical testing. Allele origin: germline. Affected: yes. Not counted in ClinVar's aggregate classification.

Dr. Peter K. Rogan Lab, Western University
No classification provided (evidence only). Condition: Lung cancer. Review status: no classification provided. Collection method: in vitro. Allele origin: not applicable. Functional consequence: skipped exon. Not counted in ClinVar's aggregate classification.

Literature cited by the submitters: PubMed 16199547 (cited by Labcorp Genetics (formerly Invitae), Labcorp); PubMed 24922459 (cited by 3 submitters); PubMed 2349939 (cited by 4 submitters); PubMed 24399159 (cited by Labcorp Genetics (formerly Invitae), Labcorp); PubMed 27306637 (cited by Labcorp Genetics (formerly Invitae), Labcorp and Mayo Clinic Laboratories, Mayo Clinic); PubMed 30474650 (cited by Labcorp Genetics (formerly Invitae), Labcorp and Mayo Clinic Laboratories, Mayo Clinic); PubMed 17251678 (cited by Mayo Clinic Laboratories, Mayo Clinic and Ambry Genetics); PubMed 22019127 (cited by Mayo Clinic Laboratories, Mayo Clinic and Ambry Genetics); PubMed 36119745 (cited by Mayo Clinic Laboratories, Mayo Clinic); PubMed 9143932 (cited by Mayo Clinic Laboratories, Mayo Clinic and Ambry Genetics); PubMed 25525159 (cited by Ambry Genetics); PubMed 10706896 (cited by Collagen Diagnostic Laboratory, University of Washington); Goldstein et al 1994 (cited by Collagen Diagnostic Laboratory, University of Washington).